The following is an entry in ClinVar:

ClinVar aggregate classification (germline): Likely pathogenic (1 of 4 stars; one submission).

Conditions:
Neuromuscular disease caused by qualitative or quantitative defects of dysferlin. Also called: Dysferlinopathy; Qualitative or quantitative defects of dysferlin. Identifiers: Orphanet 207073, MedGen C2931687, MONDO:0016145.

gnomAD v4.1: 1 of 1,608,280 alleles (0.000062%); highest among the groups gnomAD compares: Admixed American, 0.0017%; no homozygotes.

Submission:

Labcorp Genetics (formerly Invitae), Labcorp
Classification: Likely pathogenic for Neuromuscular disease caused by qualitative or quantitative defects of dysferlin. Last evaluated: 2022-11-29. Review status: criteria provided, single submitter. Criteria: Invitae Variant Classification Sherloc (09022015). Collection method: clinical testing. Allele origin: germline.
Comment: This variant has not been reported in the literature in individuals affected with DYSF-related conditions. Advanced modeling of protein sequence and biophysical properties (such as structural, functional, and spatial information, amino acid conservation, physicochemical variation, residue mobility, and thermodynamic stability) performed at Invitae indicates that this missense variant is expected to disrupt DYSF protein function. This variant disrupts the p.Asp1837 amino acid residue in DYSF. Other variant(s) that disrupt this residue have been determined to be pathogenic (PMID: 11257469, 22194990). This suggests that this residue is clinically significant, and that variants that disrupt this residue are likely to be disease-causing. In summary, the currently available evidence indicates that the variant is pathogenic, but additional data are needed to prove that conclusively. Therefore, this variant has been classified as Likely Pathogenic. This sequence change replaces aspartic acid, which is acidic and polar, with histidine, which is basic and polar, at codon 1837 of the DYSF protein (p.Asp1837His). This variant is not present in population databases (gnomAD no frequency).

Literature cited by the submitters: PubMed 11257469; PubMed 22194990.

NM_001130987.2(DYSF):c.5626G>C (p.Asp1876His)

Gene: DYSF (dysferlin; plus strand). Cytogenetic location: 2p13.2.
Variant type: single nucleotide variant.
Coding change: c.5626G>C on transcript NM_001130987.2 (MANE Select); coding-DNA position 5626, G replaced by C.
Protein change: p.Asp1876His; replaces aspartic acid 1876 with histidine.
Molecular consequence: missense variant.
Genome position (GRCh38, 1-based): chr2:71,669,191, G>C. VCF-style: chr2-71669191-G-C. GRCh37 (hg19) VCF-style: chr2-71896321-G-C.
Other names: c.5512G>C, p.Asp1838His (NM_001130455.2); c.5467G>C, p.Asp1823His (NM_001130976.2); c.5530G>C, p.Asp1844His (NM_001130977.2); c.5572G>C, p.Asp1858His (NM_001130978.2); c.5602G>C, p.Asp1868His (NM_001130979.2); c.5560G>C, p.Asp1854His (NM_001130980.2); c.5623G>C, p.Asp1875His (NM_001130981.2); c.5605G>C, p.Asp1869His (NM_001130982.2); and 5 more; short protein forms D1823H, D1838H, D1824H, D1854H, D1876H, D1844H, D1845H, D1858H.
Identifiers: ClinVar variation 2885593 (VCV002885593.3), dbSNP rs398123794, ClinGen allele CA347223076.